The following is an entry in ClinVar:

ClinVar aggregate classification (germline): Uncertain significance. Review status: criteria provided, multiple submitters, no conflicts (2 of 4 stars). 3 submissions from 3 submitters: Uncertain significance (3). Last evaluated 2026-08-10.

Conditions:
MYH7B-related disorder. Also called: MYH7B-related condition.

Allele frequency attached by ClinVar (database versions not stated): ExAC 0.00003; TOPMed 0.00007.
gnomAD v4.1: 58 of 1,594,496 alleles (0.0036%); highest among the groups gnomAD compares: Admixed American, 0.014%; no homozygotes.

Submissions (3):

PreventionGenetics, part of Exact Sciences
Classification: Uncertain significance for MYH7B-related condition. Last evaluated: 2026-08-10. Review status: criteria provided, single submitter. Criteria: ACMG Guidelines, 2015. Collection method: clinical testing. Allele origin: germline.
Comment: The MYH7B c.3083C>T variant is predicted to result in the amino acid substitution p.Thr1028Met. To our knowledge, this variant has not been reported in the literature. This variant is reported in 0.019% of alleles in individuals of Latino descent in gnomAD. At this time, the clinical significance of this variant is uncertain due to the absence of conclusive functional and genetic evidence.

Labcorp Genetics (formerly Invitae), Labcorp
Classification: Uncertain significance. Last evaluated: 2024-04-13. Review status: criteria provided, single submitter. Criteria: Invitae Variant Classification Sherloc (09022015). Collection method: clinical testing. Allele origin: germline.
Comment: This sequence change replaces threonine, which is neutral and polar, with methionine, which is neutral and non-polar, at codon 1028 of the MYH7B protein (p.Thr1028Met). This variant is present in population databases (rs780035845, gnomAD 0.02%). This variant has not been reported in the literature in individuals affected with MYH7B-related conditions. ClinVar contains an entry for this variant (Variation ID: 995625). Advanced modeling of protein sequence and biophysical properties (such as structural, functional, and spatial information, amino acid conservation, physicochemical variation, residue mobility, and thermodynamic stability) performed at Invitae indicates that this missense variant is not expected to disrupt MYH7B protein function with a negative predictive value of 80%. In summary, the available evidence is currently insufficient to determine the role of this variant in disease. Therefore, it has been classified as a Variant of Uncertain Significance.

ARUP Laboratories, Molecular Genetics and Genomics, ARUP Laboratories
Classification: Uncertain significance. Last evaluated: 2020-06-02. Review status: criteria provided, single submitter. Criteria: ARUP Molecular Germline Variant Investigation Process. Collection method: clinical testing. Allele origin: germline.

NM_020884.7(MYH7B):c.2957C>T (p.Thr986Met)

Gene: MYH7B (myosin heavy chain 7B; plus strand). Cytogenetic location: 20q11.22.
Variant type: single nucleotide variant.
Coding change: c.2957C>T on transcript NM_020884.7 (MANE Select); coding-DNA position 2957, C replaced by T.
Protein change: p.Thr986Met; replaces threonine 986 with methionine.
Molecular consequence: missense variant.
Genome position (GRCh38, 1-based): chr20:34,996,359, C>T. VCF-style: chr20-34996359-C-T. GRCh37 (hg19) VCF-style: chr20-33584162-C-T.
Other names: c.3083C>T (NM_020884.4); short protein forms T986M.
Identifiers: ClinVar variation 995625 (VCV000995625.17), dbSNP rs780035845, ClinGen allele CA9827555.